The following is an entry in ClinVar:

NM_000360.4(TH):c.1201-2_1201-1delinsCC

Gene: TH (tyrosine hydroxylase; minus strand). Cytogenetic location: 11p15.5.
Variant type: Indel.
Coding change: c.1201-2_1201-1delinsCC on transcript NM_000360.4 (MANE Select); the canonical splice acceptor site of the intron before coding-DNA position 1201, AG replaced by CC.
Molecular consequence: splice acceptor variant.
Genome position (GRCh38, 1-based): chr11:2,165,366-2,165,367, CT replaced by GG on the plus strand (AG replaced by CC on the coding strand, the reverse complement: TH is on the minus strand). VCF-style: chr11-2165366-CT-GG. GRCh37 (hg19) VCF-style: chr11-2186596-CT-GG.
Other names: c.1282-2_1282-1delinsCC (NM_199293.3); c.1294-2_1294-1delinsCC (NM_199292.3).
Identifiers: ClinVar variation 1513931 (VCV001513931.6), dbSNP rs2133689324, ClinGen allele CA2573146042.

ClinVar aggregate classification (germline): Likely pathogenic (1 of 4 stars; one submission).

Conditions:
TH-deficient dopa-responsive dystonia. Also called: Tyrosine Hydroxylase-Deficient Dopa-Responsive Dystonia; Segawa syndrome, autosomal recessive; DYT-TH. Identifiers: Orphanet 101150, MedGen C2673535, MONDO:0011551, OMIM 605407.

Submission:

Labcorp Genetics (formerly Invitae), Labcorp
Classification: Likely pathogenic for TH-deficient dopa-responsive dystonia. Last evaluated: 2021-09-29. Review status: criteria provided, single submitter. Criteria: Invitae Variant Classification Sherloc (09022015). Collection method: clinical testing. Allele origin: germline.
Comment: In summary, the currently available evidence indicates that the variant is pathogenic, but additional data are needed to prove that conclusively. Therefore, this variant has been classified as Likely Pathogenic. Algorithms developed to predict the effect of sequence changes on RNA splicing suggest that this variant may disrupt the consensus splice site. This variant has not been reported in the literature in individuals affected with TH-related conditions. The frequency data for this variant in the population databases is not available, as this variant may be reported as separate entries in the ExAC database. This sequence change affects a splice site in intron 12 of the TH gene. It is expected to disrupt RNA splicing. Variants that disrupt the donor or acceptor splice site typically lead to a loss of protein function (PMID: 16199547), and loss-of-function variants in TH are known to be pathogenic (PMID: 22264700, 24753243).

Literature cited by the submitters: PubMed 16199547; PubMed 22264700; PubMed 24753243.